The following is an entry in ClinVar:

NM_002474.3(MYH11):c.3603C>G (p.His1201Gln)

Gene: MYH11 (myosin heavy chain 11; minus strand). Cytogenetic location: 16p13.11.
Variant type: single nucleotide variant.
Coding change: c.3603C>G on transcript NM_002474.3 (MANE Select); coding-DNA position 3603, C replaced by G.
Protein change: p.His1201Gln; replaces histidine 1201 with glutamine.
Molecular consequence: missense variant.
Genome position (GRCh38, 1-based): chr16:15,732,612, G>C on the plus strand (C>G on the coding strand, the complement: MYH11 is on the minus strand). VCF-style: chr16-15732612-G-C. GRCh37 (hg19) VCF-style: chr16-15826469-G-C.
Other names: c.3624C>G, p.His1208Gln (NM_001040113.2, NM_001040114.2); c.3603C>G, p.His1201Gln (NM_022844.3); short protein forms H1201Q, H1208Q.
Identifiers: ClinVar variation 318158 (VCV000318158.23), dbSNP rs199800922, ClinGen allele CA7921952.

ClinVar aggregate classification (germline): Uncertain significance. Review status: criteria provided, multiple submitters, no conflicts (2 of 4 stars). 7 submissions from 7 submitters: Uncertain significance (7). Last evaluated 2026-09-21.

Conditions:
Cardiovascular phenotype. Identifiers: MedGen CN230736.
Familial thoracic aortic aneurysm and aortic dissection (TAAD). Also called: Thoracic aortic aneurysms and dissections. Identifiers: Orphanet 91387, MedGen C4707243, MONDO:0019625.
Aortic aneurysm, familial thoracic 4 (AAT4). Also called: AORTIC ANEURYSM/AORTIC DISSECTION AND PATENT DUCTUS ARTERIOSUS. Identifiers: MedGen C1851504, MONDO:0007568, OMIM 132900.

Allele frequency attached by ClinVar (database versions not stated): ESP Exome Variant Server 0.00008; TOPMed 0.00002; gnomAD 0.00006.
gnomAD v4.1: 19 of 1,614,108 alleles (0.0012%); highest among the groups gnomAD compares: East Asian, 0.0022%; no homozygotes.

Submissions (7):

Molecular Diagnostic Laboratory for Inherited Cardiovascular Disease, Montreal Heart Institute
Classification: Uncertain significance for Cardiovascular phenotype. Last evaluated: 2026-09-21. Review status: criteria provided, single submitter. Criteria: ACMG Guidelines, 2015. Collection method: clinical testing. Allele origin: germline. Affected: yes.

Labcorp Genetics (formerly Invitae), Labcorp
Classification: Uncertain significance for Aortic aneurysm, familial thoracic 4. Last evaluated: 2025-09-30. Review status: criteria provided, single submitter. Criteria: Invitae Variant Classification Sherloc (09022015). Collection method: clinical testing. Allele origin: germline.
Comment: This sequence change replaces histidine, which is basic and polar, with glutamine, which is neutral and polar, at codon 1208 of the MYH11 protein (p.His1208Gln). This variant is present in population databases (rs199800922, gnomAD 0.005%). This missense change has been observed in individual(s) with sudden infant death syndrome (PMID: 28074886). ClinVar contains an entry for this variant (Variation ID: 318158). Invitae Evidence Modeling of protein sequence and biophysical properties (such as structural, functional, and spatial information, amino acid conservation, physicochemical variation, residue mobility, and thermodynamic stability) indicates that this missense variant is not expected to disrupt MYH11 protein function with a negative predictive value of 95%. In summary, the available evidence is currently insufficient to determine the role of this variant in disease. Therefore, it has been classified as a Variant of Uncertain Significance.

Color Diagnostics, LLC DBA Color Health
Classification: Uncertain significance for Familial thoracic aortic aneurysm and aortic dissection. Last evaluated: 2025-02-18. Review status: criteria provided, single submitter. Criteria: ACMG Guidelines, 2015. Collection method: clinical testing. Allele origin: germline.
Comment: This missense variant replaces histidine with glutamine at codon 1208 of the MYH11 protein. Computational prediction tool is inconclusive regarding the impact of this variant on protein structure and function. To our knowledge, functional studies have not been reported for this variant. While this variant has not been reported in individuals affected with MYH11-related disorders in the literature, it has been reported in one infant affected with sudden death (PMID: 28074886). This variant has been identified in 7/282862 chromosomes in the general population by the Genome Aggregation Database (gnomAD). The available evidence is insufficient to determine the role of this variant in disease conclusively. Therefore, this variant is classified as a Variant of Uncertain Significance.

GeneDx
Classification: Uncertain significance. Last evaluated: 2024-08-22. Review status: criteria provided, single submitter. Criteria: GeneDx Variant Classification Process June 2021. Collection method: clinical testing. Allele origin: germline. Affected: yes.
Comment: Identified in a case of sudden infant death syndrome (SIDS) in the published literature and classified as a variant of uncertain significance (PMID: 28074886); In silico analysis supports that this missense variant has a deleterious effect on protein structure/function; This variant is associated with the following publications: (PMID: 28074886)

All of Us Research Program, National Institutes of Health
Classification: Uncertain significance for Familial thoracic aortic aneurysm and aortic dissection. Last evaluated: 2023-10-30. Review status: criteria provided, single submitter. Criteria: ACMG Guidelines, 2015. Collection method: clinical testing. Allele origin: germline. Inheritance: Autosomal dominant inheritance. Observed: 2 variant alleles, 2 heterozygotes.
Comment: This missense variant replaces histidine with glutamine at codon 1208 of the MYH11 protein. Computational prediction is inconclusive regarding the impact of this variant on protein structure and function (internally defined REVEL score threshold 0.5 < inconclusive < 0.7, PMID: 27666373). To our knowledge, functional studies have not been reported for this variant. This variant has not been reported in individuals affected with cardiovascular disorders in the literature. This variant has been reported in an infant with sudden death (PMID: 28074886). This variant has been identified in 7/282862 chromosomes in the general population by the Genome Aggregation Database (gnomAD). The available evidence is insufficient to determine the role of this variant in disease conclusively. Therefore, this variant is classified as a Variant of Uncertain Significance.

This study involves interpretation of variants in research participants for the purpose of population health screening. Participant phenotype was not available at the time of variant classification. Additional details can be found in publication PMID: 35346344, PMCID: PMC8962531

Blueprint Genetics
Classification: Uncertain significance. Last evaluated: 2023-08-17. Review status: criteria provided, single submitter. Criteria: ACMG Guidelines, 2015. Collection method: clinical testing. Allele origin: germline.

Illumina Laboratory Services, Illumina
Classification: Uncertain significance for Aortic aneurysm, familial thoracic 4. Last evaluated: 2018-01-12. Review status: criteria provided, single submitter. Criteria: ICSL Variant Classification Criteria 13 December 2019. Collection method: clinical testing. Allele origin: germline.

Literature cited by the submitters: PubMed 28074886 (cited by 3 submitters).